The following is an entry in ClinVar:

ClinVar aggregate classification (germline): Likely pathogenic (1 of 4 stars; one submission).

Conditions:
Usher syndrome type 1 (USH1). Also called: RETINITIS PIGMENTOSA AND CONGENITAL DEAFNESS. Identifiers: Orphanet 231169, Orphanet 886, MedGen C1568247, MONDO:0010168, OMIM 276900.

Submission:

Myriad Genetics, Inc.
Classification: Likely pathogenic for Usher syndrome type 1. Last evaluated: 2026-08-14. Review status: criteria provided, single submitter. Criteria: Myriad Autosomal Dominant, Autosomal Recessive and X-Linked Classification Criteria (2023). Collection method: clinical testing. Allele origin: unknown.
Comment: NM_000260.3(MYO7A):c.6445dupC(L2149Pfs*44) is a frameshift variant classified as likely pathogenic in the context of MYO7A-related disorders. L2149Pfs*44 has been observed in cases with relevant disease (PMID: Dofek_2019_Thesis, 37438890, 39865314). Relevant functional assessments of this variant are not available in the literature. L2149Pfs*44 has not been observed in referenced population frequency databases. In summary, NM_000260.3(MYO7A):c.6445dupC(L2149Pfs*44) is a frameshift variant that has been observed more frequently in cases with the relevant disease than in healthy populations. Please note: this variant was assessed in the context of healthy population screening.

NM_000260.4(MYO7A):c.6445dup (p.Leu2149fs)

Gene: MYO7A (myosin VIIA; plus strand). Cytogenetic location: 11q13.5.
Variant type: Duplication.
Coding change: c.6445dup on transcript NM_000260.4 (MANE Select); coding-DNA position 6445, one base duplicated (C; older notation c.6445dupC).
Protein change: p.Leu2149fs; shifts the reading frame from leucine 2149.
Molecular consequence: frameshift variant.
Genome position (GRCh38, 1-based): chr11:77,213,866, C duplicated; the last of 2 consecutive C bases (chr11:77,213,865-77,213,866); duplicating either gives the same sequence. VCF-style (leftmost placement, unchanged base first): chr11-77213864-T-TC. GRCh37 (hg19) VCF-style: chr11-76924909-T-TC.
Other names: c.6325dup, p.Leu2109fs (NM_001127180.2); c.6298dup, p.Leu2100fs (NM_001369365.1); short protein forms L2100fs, L2109fs, L2149fs.
Identifiers: ClinVar variation 5004851 (VCV005004851.1).